The following is an entry in ClinVar:

ClinVar aggregate classification (germline): Uncertain significance (1 of 4 stars; one submission).

Conditions:
Inborn genetic diseases. Identifiers: MedGen C0950123, MeSH D030342.

Submission:

Ambry Genetics
Classification: Uncertain significance for Inborn genetic diseases. Last evaluated: 2025-04-18. Review status: criteria provided, single submitter. Criteria: Ambry Variant Classification Scheme 2023. Collection method: clinical testing. Allele origin: germline.
Comment: The p.K1069N variant (also known as c.3207G>T), located in coding exon 1 of the SAMD9L gene, results from a G to T substitution at nucleotide position 3207. The lysine at codon 1069 is replaced by asparagine, an amino acid with similar properties. This amino acid position is conserved. In addition, this alteration is predicted to be tolerated by in silico analysis. Based on the available evidence, the clinical significance of this variant remains unclear.

NM_152703.5(SAMD9L):c.3207G>T (p.Lys1069Asn)

Gene: SAMD9L (sterile alpha motif domain containing 9 like; minus strand). Cytogenetic location: 7q21.2.
Variant type: single nucleotide variant.
Coding change: c.3207G>T on transcript NM_152703.5 (MANE Select); coding-DNA position 3207, G replaced by T.
Protein change: p.Lys1069Asn; replaces lysine 1069 with asparagine.
Molecular consequence: missense variant.
Genome position (GRCh38, 1-based): chr7:93,132,765, C>A on the plus strand (G>T on the coding strand, the complement: SAMD9L is on the minus strand). VCF-style: chr7-93132765-C-A. GRCh37 (hg19) VCF-style: chr7-92762078-C-A.
Other names: c.3207G>T, p.Lys1069Asn (NM_001303496.3, NM_001303497.3, NM_001303498.3 and 5 more transcripts); short protein forms K1069N.
Identifiers: ClinVar variation 3949854 (VCV003949854.1).